The following is an entry in ClinVar:

ClinVar aggregate classification (germline): Uncertain significance (1 of 4 stars; one submission).

Conditions:
Inborn genetic diseases. Identifiers: MedGen C0950123, MeSH D030342.

Submission:

Ambry Genetics
Classification: Uncertain significance for Inborn genetic diseases. Last evaluated: 2025-11-17. Review status: criteria provided, single submitter. Criteria: Ambry Variant Classification Scheme 2023. Collection method: clinical testing. Allele origin: germline.
Comment: The p.H1585R variant (also known as c.4754A>G), located in coding exon 19 of the FANCM gene, results from an A to G substitution at nucleotide position 4754. The histidine at codon 1585 is replaced by arginine, an amino acid with highly similar properties. This amino acid position is conserved. In addition, this alteration is predicted to be tolerated by in silico analysis. Based on the available evidence, the clinical significance of this variant remains unclear.

NM_020937.4(FANCM):c.4754A>G (p.His1585Arg)

Gene: FANCM (FA complementation group M; plus strand). Cytogenetic location: 14q21.2.
Variant type: single nucleotide variant.
Coding change: c.4754A>G on transcript NM_020937.4 (MANE Select); coding-DNA position 4754, A replaced by G.
Protein change: p.His1585Arg; replaces histidine 1585 with arginine.
Molecular consequence: missense variant.
Genome position (GRCh38, 1-based): chr14:45,187,862, A>G. VCF-style: chr14-45187862-A-G. GRCh37 (hg19) VCF-style: chr14-45657065-A-G.
Other names: c.4676A>G, p.His1559Arg (NM_001308133.2); short protein forms H1585R, H1559R.
Identifiers: ClinVar variation 4619589 (VCV004619589.1).